The following is an entry in ClinVar:

ClinVar aggregate classification (germline): Conflicting classifications of pathogenicity. Review status: criteria provided, conflicting classifications (1 of 4 stars). 5 submissions from 5 submitters: Uncertain significance (4); Likely benign (1). Last evaluated 2025-09-16.

Conditions:
Familial melanoma. Also called: Hereditary melanoma; Hereditary cutaneous melanoma. Identifiers: Orphanet 618, MedGen C1512419, MONDO:0018961.
Hereditary cancer-predisposing syndrome. Also called: Tumor predisposition; Neoplastic Syndromes, Hereditary; Hereditary neoplastic syndrome; Hereditary Cancer Syndrome. Identifiers: Orphanet 140162, MedGen C0027672, MeSH D009386, MONDO:0015356.
Melanoma-pancreatic cancer syndrome. Identifiers: Orphanet 404560, MedGen C1838547, MONDO:0011713, OMIM 606719. Disease mechanism: loss of function.

Allele frequency attached by ClinVar (database versions not stated): gnomAD exomes below 0.00001.
gnomAD v4.1: 2 of 1,593,060 alleles (0.00013%); highest among the groups gnomAD compares: Non-Finnish European, 0.00017%; no homozygotes.

Submissions (5):

Ambry Genetics
Classification: Uncertain significance for Hereditary cancer-predisposing syndrome. Last evaluated: 2025-09-16. Review status: criteria provided, single submitter. Criteria: Ambry Variant Classification Scheme 2023. Collection method: clinical testing. Allele origin: germline.
Comment: The c.219C>G variant (also known as p.A73A), located in coding exon 2 of the CDKN2A gene, results from a C to G substitution at nucleotide position 219. This nucleotide substitution does not change the amino acid at codon 73. Of note, this alteration is also known as c.262C>G (p.R88G) in the p14(ARF) isoform and results from a C to G substitution at nucleotide position 262. The evidence for this gene-disease relationship is limited; therefore, the association of this alteration in the p14ARF isoform with melanoma-pancreatic cancer syndrome is unknown; however, the association of this alteration in the p16 isoform with melanoma-pancreatic cancer syndrome is unlikely.

Molecular Pathology, Peter Maccallum Cancer Centre
Classification: Uncertain significance for Melanoma-pancreatic cancer syndrome. Last evaluated: 2025-05-20. Review status: criteria provided, single submitter. Criteria: ACMG Guidelines, 2015. Collection method: clinical testing. Allele origin: germline. Inheritance: Autosomal dominant inheritance.

Labcorp Genetics (formerly Invitae), Labcorp
Classification: Likely benign for Familial melanoma. Last evaluated: 2024-05-31. Review status: criteria provided, single submitter. Criteria: Invitae Variant Classification Sherloc (09022015). Collection method: clinical testing. Allele origin: germline.

Women's Health and Genetics/Laboratory Corporation of America, LabCorp
Classification: Uncertain significance. Last evaluated: 2016-02-08. Review status: criteria provided, single submitter. Criteria: LabCorp Variant Classification Summary - May 2015. Collection method: clinical testing. Allele origin: germline.
Comment: Variant summary: The c.219C>G variant affects a non-conserved nucleotide, resulting in no amino acid change. One in-silico tool predicts damaging outcome for this variant. 5/5 programs in Alamut predict that this variant does not affect normal splicing. ESE finder predicts that this variant may affect multiple ESE sites. However, these predictions are not confirmed by experimental studies. This variant is not found in 82880 control chromosomes. c.219C>T, a variant resulting in same p.Ala73Ala, has been reported in one sporadic melanoma sample (PMID 9036865). Functional studies showed that p.Ala73Ala was comparable to wild-type in protein interactions, cellular distribution, and cell cycle inhibitory function (PMID 11518711, 20340136). However, variant of interest may lead to a missense change p.Arg88Gly if it is translated into a different transcript (p14ARF). The effect of this missense has not been studied. In addition, one clinical laboratory reported this variant as c.262C>G/p.Arg88Gly with a classsifcation of VUS. Taken together, this variant was classified as VUS.

GeneDx
Classification: Uncertain significance. Last evaluated: 2014-08-26. Review status: criteria provided, single submitter. Criteria: GeneDx Variant Classification (06012015). Collection method: clinical testing. Allele origin: germline. Affected: yes.
Comment: This variant is denoted CDKN2A c.262C>G at the cDNA level, p.Arg88Gly (R88G) at the protein level, and results in the change of an Arginine to a Glycine (CGA>GGA). This variant has not, to our knowledge, been published in the literature as pathogenic or benign. CDKN2A Arg88Gly was not observed in approximately 6,500 individuals of European and African American ancestry in the NHLBI Exome Sequencing Project, indicating it is not a common benign variant in these populations. Since Arginine and Glycine differ in polarity, charge, size or other properties, this is considered a non-conservative amino acid substitution. CDKN2A Arg88Gly occurs at a position that is poorly conserved across species and is not located in a known functional domain. In silico analyses predict that this variant is unlikely to alter protein structure or function. Based on currently available information, it is unclear whether CDKN2A Arg88Gly is pathogenic or benign. We consider it to be a variant of uncertain significance.

NM_000077.5(CDKN2A):c.219C>G (p.Ala73=)

Gene: CDKN2A (cyclin dependent kinase inhibitor 2A; minus strand). Cytogenetic location: 9p21.3.
Variant type: single nucleotide variant.
Coding change: c.219C>G on transcript NM_000077.5; coding-DNA position 219, C replaced by G.
Protein change: p.Ala73=; no amino-acid change (alanine 73 retained).
Molecular consequence: synonymous variant (on NM_000077.6). On other transcripts: missense variant (1), 3 prime UTR variant (1).
Genome position (GRCh38, 1-based): chr9:21,971,140, G>C on the plus strand (C>G on the coding strand, the complement: CDKN2A is on the minus strand). VCF-style: chr9-21971140-G-C. GRCh37 (hg19) VCF-style: chr9-21971139-G-C.
Other names: p.R88G:CGA>GGA; c.219C>G, p.Ala73= (NM_000077.6, NM_001195132.2); c.66C>G, p.Ala22= (NM_001363763.2); c.262C>G, p.Arg88Gly (NM_058195.4); c.*142C>G (NM_058197.5); short protein forms R88G.
Identifiers: ClinVar variation 182418 (VCV000182418.17), dbSNP rs730881679, ClinGen allele CA299036.